The following is an entry in ClinVar:

NM_001903.5(CTNNA1):c.98T>A (p.Val33Asp)

Gene: CTNNA1 (catenin alpha 1; plus strand). Cytogenetic location: 5q31.2.
Variant type: single nucleotide variant.
Coding change: c.98T>A on transcript NM_001903.5 (MANE Select); coding-DNA position 98, T replaced by A.
Protein change: p.Val33Asp; replaces valine 33 with aspartic acid.
Molecular consequence: missense variant. On other transcripts: 5 prime UTR variant (2).
Genome position (GRCh38, 1-based): chr5:138,782,022, T>A. VCF-style: chr5-138782022-T-A. GRCh37 (hg19) VCF-style: chr5-138117711-T-A.
Other names: c.98T>A, p.Val33Asp (NM_001290307.3, NM_001323982.2, NM_001323983.1 and 3 more transcripts); c.-16T>A (NM_001290309.3); c.-109T>A (NM_001290310.3); short protein forms V33D.
Identifiers: ClinVar variation 1768554 (VCV001768554.2), dbSNP rs2532171047, ClinGen allele CA361477231.

ClinVar aggregate classification (germline): Uncertain significance (1 of 4 stars; one submission).

Conditions:
Hereditary cancer-predisposing syndrome. Also called: Hereditary Cancer Syndrome; Hereditary neoplastic syndrome; Neoplastic Syndromes, Hereditary; Tumor predisposition. Identifiers: Orphanet 140162, MedGen C0027672, MeSH D009386, MONDO:0015356.

Allele frequency attached by ClinVar (database versions not stated): gnomAD exomes below 0.00001.
gnomAD v4.1: 4 of 1,608,406 alleles (0.00025%); highest among the groups gnomAD compares: Non-Finnish European, 0.00034%; no homozygotes.

Submission:

Ambry Genetics
Classification: Uncertain significance for Hereditary cancer-predisposing syndrome. Last evaluated: 2021-08-11. Review status: criteria provided, single submitter. Criteria: Ambry Variant Classification Scheme 2023. Collection method: clinical testing. Allele origin: germline.
Comment: The p.V33D variant (also known as c.98T>A), located in coding exon 1 of the CTNNA1 gene, results from a T to A substitution at nucleotide position 98. The valine at codon 33 is replaced by aspartic acid, an amino acid with highly dissimilar properties. This amino acid position is conserved. In addition, this alteration is predicted to be deleterious by in silico analysis. Since supporting evidence is limited at this time, the clinical significance of this alteration remains unclear.